The following is an entry in ClinVar:

NM_003119.4(SPG7):c.167G>A (p.Gly56Glu)

Genes: SPG7 (SPG7 matrix AAA peptidase subunit, paraplegin; plus strand), LOC130059818 (ATAC-STARR-seq lymphoblastoid silent region 7911; plus strand). Cytogenetic location: 16q24.3.
Variant type: single nucleotide variant.
Coding change: c.167G>A on transcript NM_003119.4 (MANE Select); coding-DNA position 167, G replaced by A.
Protein change: p.Gly56Glu; replaces glycine 56 with glutamic acid.
Molecular consequence: missense variant.
Genome position (GRCh38, 1-based): chr16:89,508,584, G>A. VCF-style: chr16-89508584-G-A. GRCh37 (hg19) VCF-style: chr16-89574992-G-A.
Other names: c.167G>A, p.Gly56Glu (NM_001363850.1, NM_199367.3); short protein forms G56E.
Identifiers: ClinVar variation 1256110 (VCV001256110.7), dbSNP rs11559074, ClinGen allele CA397416123.

ClinVar aggregate classification (germline): Uncertain significance. Review status: criteria provided, multiple submitters, no conflicts (2 of 4 stars). 3 submissions from 3 submitters: Uncertain significance (3). Last evaluated 2025-04-14.

Conditions:
Hereditary spastic paraplegia 7 (SPG7). Also called: Spastic paraplegia 7; Hereditary spastic paraplegia Paraplegin type; SPASTIC PARAPLEGIA 7, AUTOSOMAL RECESSIVE, WITH OR WITHOUT CEREBELLAR ATAXIA; Autosomal recessive spastic paraplegia type 7; SPG7-related neurologic disorder. Identifiers: Orphanet 99013, MedGen C1846564, MONDO:0011803, OMIM 607259.

Submissions (3):

GeneDx
Classification: Uncertain significance. Last evaluated: 2025-04-14. Review status: criteria provided, single submitter. Criteria: GeneDx Variant Classification Process June 2021. Collection method: clinical testing. Allele origin: germline. Affected: yes.
Comment: Not observed at significant frequency in large population cohorts (gnomAD); In silico analysis indicates that this missense variant does not alter protein structure/function; Has not been previously published as pathogenic or benign to our knowledge

Labcorp Genetics (formerly Invitae), Labcorp
Classification: Uncertain significance for Hereditary spastic paraplegia 7. Last evaluated: 2022-05-07. Review status: criteria provided, single submitter. Criteria: Invitae Variant Classification Sherloc (09022015). Collection method: clinical testing. Allele origin: germline.
Comment: ClinVar contains an entry for this variant (Variation ID: 1256110). In summary, the available evidence is currently insufficient to determine the role of this variant in disease. Therefore, it has been classified as a Variant of Uncertain Significance. Advanced modeling of protein sequence and biophysical properties (such as structural, functional, and spatial information, amino acid conservation, physicochemical variation, residue mobility, and thermodynamic stability) performed at Invitae indicates that this missense variant is not expected to disrupt SPG7 protein function. This variant has not been reported in the literature in individuals affected with SPG7-related conditions. This variant is not present in population databases (gnomAD no frequency). This sequence change replaces glycine, which is neutral and non-polar, with glutamic acid, which is acidic and polar, at codon 56 of the SPG7 protein (p.Gly56Glu).

Athena Diagnostics
Classification: Uncertain significance. Last evaluated: 2021-05-27. Review status: criteria provided, single submitter. Criteria: Athena Diagnostics criteria. Collection method: clinical testing. Allele origin: unknown.